The following is an entry in ClinVar:

NM_000276.4(OCRL):c.1924T>C (p.Ser642Pro)

Gene: OCRL (OCRL inositol polyphosphate-5-phosphatase; plus strand). Cytogenetic location: Xq26.1.
Variant type: single nucleotide variant.
Coding change: c.1924T>C on transcript NM_000276.4 (MANE Select); coding-DNA position 1924, T replaced by C.
Protein change: p.Ser642Pro; replaces serine 642 with proline.
Molecular consequence: missense variant.
Genome position (GRCh38, 1-based): chrX:129,576,361, T>C. VCF-style: chrX-129576361-T-C. GRCh37 (hg19) VCF-style: chrX-128710338-T-C.
Other names: c.1927T>C, p.Ser643Pro (NM_001318784.2); c.1924T>C, p.Ser642Pro (NM_001587.4); short protein forms S642P, S643P.
Identifiers: ClinVar variation 1305021 (VCV001305021.3), dbSNP rs1174987741, ClinGen allele CA414620430.

ClinVar aggregate classification (germline): Uncertain significance. Review status: criteria provided, multiple submitters, no conflicts (2 of 4 stars). 2 submissions from 2 submitters: Uncertain significance (2). Last evaluated 2025-04-07.

Conditions:
Lowe syndrome (OCRL). Also called: LOWE OCULOCEREBRORENAL SYNDROME; PHOSPHATIDYLINOSITOL 4,5-BISPHOSPHATE 5-PHOSPHATASE DEFICIENCY; Oculocerebrorenal Syndrome. Identifiers: Orphanet 534, MedGen C0028860, MONDO:0010645, OMIM 309000.

Allele frequency attached by ClinVar (database versions not stated): gnomAD exomes below 0.00001; TOPMed below 0.00001; gnomAD 0.00001.
gnomAD v4.1: 2 of 1,209,661 alleles (0.00017%); highest among the groups gnomAD compares: Non-Finnish European, 0.00022%; no homozygotes.

Submissions (2):

Labcorp Genetics (formerly Invitae), Labcorp
Classification: Uncertain significance for Lowe syndrome. Last evaluated: 2025-04-07. Review status: criteria provided, single submitter. Criteria: Invitae Variant Classification Sherloc (09022015). Collection method: clinical testing. Allele origin: germline.
Comment: This sequence change replaces serine, which is neutral and polar, with proline, which is neutral and non-polar, at codon 642 of the OCRL protein (p.Ser642Pro). This variant is not present in population databases (gnomAD no frequency). This variant has not been reported in the literature in individuals affected with OCRL-related conditions. ClinVar contains an entry for this variant (Variation ID: 1305021). Invitae Evidence Modeling of protein sequence and biophysical properties (such as structural, functional, and spatial information, amino acid conservation, physicochemical variation, residue mobility, and thermodynamic stability) has been performed for this missense variant. However, the output from this modeling did not meet the statistical confidence thresholds required to predict the impact of this variant on OCRL protein function. In summary, the available evidence is currently insufficient to determine the role of this variant in disease. Therefore, it has been classified as a Variant of Uncertain Significance.

GeneDx
Classification: Uncertain significance. Last evaluated: 2019-04-11. Review status: criteria provided, single submitter. Criteria: GeneDx Variant Classification Process June 2021. Collection method: clinical testing. Allele origin: germline. Affected: yes.
Comment: Not observed in large population cohorts (Lek et al., 2016); In silico analysis, which includes protein predictors and evolutionary conservation, supports a deleterious effect; Has not been previously published as pathogenic or benign to our knowledge